The following is an entry in ClinVar:

ClinVar aggregate classification (germline): Likely benign. Review status: criteria provided, multiple submitters, no conflicts (2 of 4 stars). 3 submissions from 3 submitters: Likely benign (2). 1 of the submissions does not count toward it. Last evaluated 2025-12-18.

Conditions:
ROR2-related disorder. Also called: ROR2-related condition; ROR2-related disorders.
Brachydactyly type B1 (BDB1). Identifiers: Orphanet 572385, Orphanet 93383, MedGen C1862112, MONDO:0007220, OMIM 113000.
Autosomal recessive Robinow syndrome (RRS1). Also called: ROR2-Related Robinow Syndrome; ROBINOW SYNDROME, AUTOSOMAL RECESSIVE 1; COSTOVERTEBRAL SEGMENTATION DEFECT WITH MESOMELIA; COVESDEM SYNDROME. Identifiers: Orphanet 1507, Orphanet 97360, MedGen C5399974, MONDO:0009999, OMIM 268310.

Allele frequency attached by ClinVar (database versions not stated): gnomAD exomes 0.00008 and 0.00019; ExAC 0.00009; TOPMed 0.00010; gnomAD 0.00006 and 0.00007.
gnomAD v4.1: 60 of 1,614,234 alleles (0.0037%); highest among the groups gnomAD compares: Admixed American, 0.098%; no homozygotes.

Submissions (3):

Labcorp Genetics (formerly Invitae), Labcorp
Classification: Likely benign. Last evaluated: 2025-12-18. Review status: criteria provided, single submitter. Criteria: Invitae Variant Classification Sherloc (09022015). Collection method: clinical testing. Allele origin: germline.

Fulgent Genetics
Classification: Likely benign for Brachydactyly type B1; Autosomal recessive Robinow syndrome. Last evaluated: 2022-04-21. Review status: criteria provided, single submitter. Criteria: ACMG Guidelines, 2015. Collection method: clinical testing. Allele origin: unknown.

PreventionGenetics, part of Exact Sciences
Classification: Likely benign for ROR2-related condition. Last evaluated: 2019-04-29. Review status: no assertion criteria provided. Collection method: clinical testing. Allele origin: germline. Not counted in ClinVar's aggregate classification.
Comment: This variant is classified as likely benign based on ACMG/AMP sequence variant interpretation guidelines (Richards et al. 2015 PMID: 25741868, with internal and published modifications).

NM_004560.4(ROR2):c.1863G>A (p.Val621=)

Gene: ROR2 (ROR family WNT receptor 2; minus strand). Cytogenetic location: 9q22.31.
Variant type: single nucleotide variant.
Coding change: c.1863G>A on transcript NM_004560.4 (MANE Select); coding-DNA position 1863, G replaced by A.
Protein change: p.Val621=; no amino-acid change (valine 621 retained).
Molecular consequence: synonymous variant.
Genome position (GRCh38, 1-based): chr9:91,724,631, C>T on the plus strand (G>A on the coding strand, the complement: ROR2 is on the minus strand). VCF-style: chr9-91724631-C-T. GRCh37 (hg19) VCF-style: chr9-94486913-C-T.
Identifiers: ClinVar variation 718253 (VCV000718253.12), dbSNP rs778321761, ClinGen allele CA5120544.